The following is an entry in ClinVar:

NM_182914.3(SYNE2):c.316-2A>G

Gene: SYNE2 (spectrin repeat containing nuclear envelope protein 2; plus strand). Cytogenetic location: 14q23.2.
Variant type: single nucleotide variant.
Coding change: c.316-2A>G on transcript NM_182914.3 (MANE Select); the canonical splice acceptor site of the intron before coding-DNA position 316, A replaced by G.
Molecular consequence: splice acceptor variant.
Genome position (GRCh38, 1-based): chr14:63,942,049, A>G. VCF-style: chr14-63942049-A-G. GRCh37 (hg19) VCF-style: chr14-64408767-A-G.
Other names: c.316-2A>G (NM_015180.6).
Identifiers: ClinVar variation 1056775 (VCV001056775.7), dbSNP rs2153417734, ClinGen allele CA389935659.

ClinVar aggregate classification (germline): Uncertain significance (1 of 4 stars; one submission).

Conditions:
Emery-Dreifuss muscular dystrophy 5, autosomal dominant (EDMD5). Also called: EMERY-DREIFUSS MUSCULAR DYSTROPHY 5. Identifiers: Orphanet 261, MedGen C2751805, MONDO:0013072, OMIM 612999.

Submission:

Labcorp Genetics (formerly Invitae), Labcorp
Classification: Uncertain significance for Emery-Dreifuss muscular dystrophy 5, autosomal dominant. Last evaluated: 2022-07-06. Review status: criteria provided, single submitter. Criteria: Invitae Variant Classification Sherloc (09022015). Collection method: clinical testing. Allele origin: germline.
Comment: In summary, the available evidence is currently insufficient to determine the role of this variant in disease. Therefore, it has been classified as a Variant of Uncertain Significance. Algorithms developed to predict the effect of sequence changes on RNA splicing suggest that this variant may disrupt the consensus splice site. ClinVar contains an entry for this variant (Variation ID: 1056775). This variant has not been reported in the literature in individuals affected with SYNE2-related conditions. This variant is not present in population databases (gnomAD no frequency). This sequence change affects an acceptor splice site in intron 5 of the SYNE2 gene. It is expected to disrupt RNA splicing. Variants that disrupt the donor or acceptor splice site typically lead to a loss of protein function (PMID: 16199547), however the current clinical and genetic evidence is not sufficient to establish whether loss-of-function variants in SYNE2 cause disease.

Literature cited by the submitters: PubMed 16199547.